The following is an entry in ClinVar:

ClinVar aggregate classification (germline): Uncertain significance (1 of 4 stars; one submission).

Conditions:
Vici syndrome (VICIS). Identifiers: Orphanet 1493, MedGen C1855772, MONDO:0009452, OMIM 242840.

gnomAD v4.1: 3 of 1,614,090 alleles (0.00019%); highest among the groups gnomAD compares: African/African-American, 0.004%; no homozygotes.

Submission:

Labcorp Genetics (formerly Invitae), Labcorp
Classification: Uncertain significance for Vici syndrome. Last evaluated: 2026-01-24. Review status: criteria provided, single submitter. Criteria: Invitae Variant Classification Sherloc (09022015). Collection method: clinical testing. Allele origin: germline.
Comment: This sequence change replaces histidine, which is basic and polar, with asparagine, which is neutral and polar, at codon 288 of the EPG5 protein (p.His288Asn). This variant is not present in population databases (gnomAD no frequency). This variant has not been reported in the literature in individuals affected with EPG5-related conditions. Invitae Evidence Modeling of protein sequence and biophysical properties (such as structural, functional, and spatial information, amino acid conservation, physicochemical variation, residue mobility, and thermodynamic stability) indicates that this missense variant is not expected to disrupt EPG5 protein function with a negative predictive value of 80%. In summary, the available evidence is currently insufficient to determine the role of this variant in disease. Therefore, it has been classified as a Variant of Uncertain Significance.

NM_020964.3(EPG5):c.862C>A (p.His288Asn)

Gene: EPG5 (ectopic P-granules 5 autophagy tethering factor; minus strand). Cytogenetic location: 18q21.1.
Variant type: single nucleotide variant.
Coding change: c.862C>A on transcript NM_020964.3 (MANE Select); coding-DNA position 862, C replaced by A.
Protein change: p.His288Asn; replaces histidine 288 with asparagine.
Molecular consequence: missense variant.
Genome position (GRCh38, 1-based): chr18:45,954,540, G>T on the plus strand (C>A on the coding strand, the complement: EPG5 is on the minus strand). VCF-style: chr18-45954540-G-T. GRCh37 (hg19) VCF-style: chr18-43534506-G-T.
Other names: c.862C>A, p.His288Asn (NM_001410858.1, NM_001410859.1); short protein forms H288N.
Identifiers: ClinVar variation 4694007 (VCV004694007.1).
Genomic context (GRCh38, chr18:45,954,540, plus strand): 5'-CAGCCAGCAGCAGTTGCTTCCTACATCGTGAGTAGTTCAAAAGCAACTCATAAAATTCAT[G>T]CCTGTCTTGATGAGCCATGCTGTCAAATTCTTCTAAATATGACTCAACATTTTCCAGCCA-3'
Protein context (NP_066015.2, residues 278-298): EFDSMAHQDR[His288Asn]EFYELLLNYS